The following is an entry in ClinVar:

ClinVar aggregate classification (germline): Uncertain significance (1 of 4 stars; one submission).

gnomAD v4.1: 8 of 1,614,054 alleles (0.0005%); highest among the groups gnomAD compares: South Asian, 0.0088%; no homozygotes.

Submission:

Labcorp Genetics (formerly Invitae), Labcorp
Classification: Uncertain significance. Last evaluated: 2024-08-23. Review status: criteria provided, single submitter. Criteria: Invitae Variant Classification Sherloc (09022015). Collection method: clinical testing. Allele origin: germline.
Comment: This sequence change replaces proline, which is neutral and non-polar, with serine, which is neutral and polar, at codon 203 of the TAB2 protein (p.Pro203Ser). This variant is present in population databases (no rsID available, gnomAD 0.003%). This variant has not been reported in the literature in individuals affected with TAB2-related conditions. Invitae Evidence Modeling of protein sequence and biophysical properties (such as structural, functional, and spatial information, amino acid conservation, physicochemical variation, residue mobility, and thermodynamic stability) indicates that this missense variant is not expected to disrupt TAB2 protein function with a negative predictive value of 80%. In summary, the available evidence is currently insufficient to determine the role of this variant in disease. Therefore, it has been classified as a Variant of Uncertain Significance.

NM_001292034.3(TAB2):c.607C>T (p.Pro203Ser)

Gene: TAB2 (TGF-beta activated kinase 1 (MAP3K7) binding protein 2; plus strand). Cytogenetic location: 6q25.1.
Variant type: single nucleotide variant.
Coding change: c.607C>T on transcript NM_001292034.3 (MANE Select); coding-DNA position 607, C replaced by T.
Protein change: p.Pro203Ser; replaces proline 203 with serine.
Molecular consequence: missense variant.
Genome position (GRCh38, 1-based): chr6:149,378,522, C>T. VCF-style: chr6-149378522-C-T. GRCh37 (hg19) VCF-style: chr6-149699658-C-T.
Other names: c.511C>T, p.Pro171Ser (NM_001292035.3); c.607C>T, p.Pro203Ser (NM_001369506.1, NM_015093.6); short protein forms P171S, P203S.
Identifiers: ClinVar variation 3670139 (VCV003670139.2).